The following is an entry in ClinVar:

ClinVar aggregate classification (germline): Conflicting classifications of pathogenicity. Review status: criteria provided, conflicting classifications (1 of 4 stars). 7 submissions from 5 submitters: Uncertain significance (2); Benign (2); Likely benign (3). Last evaluated 2025-07-27.

Conditions:
Charcot-Marie-Tooth disease type 2D (CMT2D). Also called: CHARCOT-MARIE-TOOTH DISEASE, AXONAL, TYPE 2D; CHARCOT-MARIE-TOOTH DISEASE, NEURONAL, TYPE 2D; GARS1 Adolescent- or Early Adult-Onset Hereditary Motor/Sensory Neuropathy (GARS1-HMSN); Charcot-Marie-Tooth Neuropathy Type 2D. Identifiers: Orphanet 99938, MedGen C1832274, MONDO:0011091, OMIM 601472.
Charcot-Marie-Tooth disease type 2. Also called: Charcot-Marie-Tooth type 2. Identifiers: Orphanet 64746, MedGen C0270914, MONDO:0018993.
Distal spinal muscular atrophy. Also called: Distal hereditary motor neuropathy; Distal hereditary motor neuronopathy. Identifiers: Orphanet 53739, MedGen C0393541, MONDO:0018894.
Neuronopathy, distal hereditary motor, type 5A (HMND5). Also called: NEURONOPATHY, DISTAL HEREDITARY MOTOR, AUTOSOMAL DOMINANT 5; DHMN VA; Distal Spinal Muscular Atrophy V (dSMA-V); Distal Spinal Muscular Atrophy V. Identifiers: Orphanet 139536, MedGen CN031873, MONDO:0015353, OMIM 600794.

Allele frequency attached by ClinVar (database versions not stated): gnomAD 0.00005 and 0.00007; ESP Exome Variant Server 0.00008; TOPMed 0.00008; ExAC 0.00010; gnomAD exomes 0.00010 and 0.00011.
gnomAD v4.1: 169 of 1,613,630 alleles (0.01%); highest among the groups gnomAD compares: Non-Finnish European, 0.013%; no homozygotes.

Submissions (7):

Labcorp Genetics (formerly Invitae), Labcorp
Classification: Likely benign for Charcot-Marie-Tooth disease type 2. Last evaluated: 2025-07-27. Review status: criteria provided, single submitter. Criteria: Invitae Variant Classification Sherloc (09022015). Collection method: clinical testing. Allele origin: germline.

Athena Diagnostics
Classification: Likely benign. Last evaluated: 2024-03-11. Review status: criteria provided, single submitter. Criteria: Athena Diagnostics Criteria. Collection method: clinical testing. Allele origin: unknown.

GeneDx
Classification: Uncertain significance. Last evaluated: 2018-08-30. Review status: criteria provided, single submitter. Criteria: GeneDx Variant Classification (06012015). Collection method: clinical testing. Allele origin: germline. Affected: yes.
Comment: The V188I variant has not been published as a pathogenic variant, nor has it been reported as a benign variant to our knowledge. The V188I variant is observed in 7/30,782 (0.02%) alleles from individuals of South Asian background, in the ExAC dataset (Lek et al., 2016). The V188I variant is a conservative amino acid substitution, which is not likely to impact secondary protein structure as these residues share similar properties. In-silico analyses, including protein predictors and evolutionary conservation, support that this variant does not alter protein structure/function. In summary, based on the currently available information, it is unclear whether this variant is a pathogenic variant or a rare benign variant.

Illumina Laboratory Services, Illumina
Classification: Benign for Distal hereditary motor neuronopathy type 5. Last evaluated: 2018-01-13. Review status: criteria provided, single submitter. Criteria: ICSL Variant Classification Criteria 13 December 2019. Collection method: clinical testing. Allele origin: germline.
Comment: This variant was observed in the ICSL laboratory as part of a predisposition screen in an ostensibly healthy population. It had not been previously curated by ICSL or reported in the Human Gene Mutation Database (HGMD: prior to June 1st, 2018), and was therefore a candidate for classification through an automated scoring system. Utilizing variant allele frequency, disease prevalence and penetrance estimates, and inheritance mode, an automated score was calculated to assess if this variant is too frequent to cause the disease. Based on the score and internal cut-off values, a variant classified as benign is not then subjected to further curation. The score for this variant resulted in a classification of benign for this disease.

Illumina Laboratory Services, Illumina
Classification: Benign for Distal Spinal Muscular Atrophy. Last evaluated: 2018-01-13. Review status: criteria provided, single submitter. Criteria: ICSL Variant Classification Criteria 13 December 2019. Collection method: clinical testing. Allele origin: germline.
Comment: the same text as in the submission from Illumina Laboratory Services, Illumina above.

Illumina Laboratory Services, Illumina
Classification: Likely benign for Charcot-Marie-Tooth disease type 2D. Last evaluated: 2018-01-13. Review status: criteria provided, single submitter. Criteria: ICSL Variant Classification Criteria 13 December 2019. Collection method: clinical testing. Allele origin: germline.
Comment: This variant was observed in the ICSL laboratory as part of a predisposition screen in an ostensibly healthy population. It had not been previously curated by ICSL or reported in the Human Gene Mutation Database (HGMD: prior to June 1st, 2018), and was therefore a candidate for classification through an automated scoring system. Utilizing variant allele frequency, disease prevalence and penetrance estimates, and inheritance mode, an automated score was calculated to assess if this variant is too frequent to cause the disease. Based on the score and internal cut-off values, a variant classified as likely benign is not then subjected to further curation. The score for this variant resulted in a classification of likely benign for this disease.

CeGaT Center for Human Genetics Tuebingen
Classification: Uncertain significance. Last evaluated: 2017-06-01. Review status: criteria provided, single submitter. Criteria: CeGaT Center For Human Genetics Tuebingen Variant Classification Criteria Version 2. Collection method: clinical testing. Allele origin: germline. Affected: yes. Observed: 1 variant allele.

NM_002047.4(GARS1):c.562G>A (p.Val188Ile)

Gene: GARS1 (glycyl-tRNA synthetase 1; plus strand). Cytogenetic location: 7p14.3.
Variant type: single nucleotide variant.
Coding change: c.562G>A on transcript NM_002047.4 (MANE Select); coding-DNA position 562, G replaced by A.
Protein change: p.Val188Ile; replaces valine 188 with isoleucine.
Molecular consequence: missense variant.
Genome position (GRCh38, 1-based): chr7:30,601,193, G>A. VCF-style: chr7-30601193-G-A. GRCh37 (hg19) VCF-style: chr7-30640809-G-A.
Other names: c.400G>A, p.Val134Ile (NM_001316772.1); c.562G>A (LRG_243t1); short protein forms V188I, V134I.
Identifiers: ClinVar variation 431819 (VCV000431819.57), dbSNP rs376772628, ClinGen allele CA4205736.